The following is an entry in ClinVar:

NM_000310.4(PPT1):c.627+15C>T

Gene: PPT1 (palmitoyl-protein thioesterase 1; minus strand). Cytogenetic location: 1p34.2.
Variant type: single nucleotide variant.
Coding change: c.627+15C>T on transcript NM_000310.4 (MANE Select); 15 bases into the intron after coding-DNA position 627, C replaced by T.
Molecular consequence: intron variant.
Genome position (GRCh38, 1-based): chr1:40,080,382, G>A on the plus strand (C>T on the coding strand, the complement: PPT1 is on the minus strand). VCF-style: chr1-40080382-G-A. GRCh37 (hg19) VCF-style: chr1-40546054-G-A.
Other names: c.318+15C>T (NM_001142604.2); c.627+15C>T (NM_001363695.2).
Identifiers: ClinVar variation 515607 (VCV000515607.10), dbSNP rs566932238, ClinGen allele CA789634.

ClinVar aggregate classification (germline): Likely benign. Review status: criteria provided, multiple submitters, no conflicts (2 of 4 stars). 3 submissions from 3 submitters: Likely benign (3). Last evaluated 2026-01-11.

Conditions:
Neuronal ceroid lipofuscinosis 1 (CLN1). Also called: CEROID LIPOFUSCINOSIS, NEURONAL, 1, VARIABLE AGE AT ONSET; PPT1-Related Neuronal Ceroid-Lipofuscinosis. Identifiers: Orphanet 228329, MedGen C1850451, MONDO:0009744, OMIM 256730.

Allele frequency attached by ClinVar (database versions not stated): gnomAD exomes below 0.00001 and 0.00001; ExAC 0.00002; TOPMed 0.00003; 1000 Genomes Project 30x 0.00016; 1000 Genomes Project 0.00020.
gnomAD v4.1: 14 of 1,611,140 alleles (0.00087%); highest among the groups gnomAD compares: African/African-American, 0.004%; no homozygotes.

Submissions (3):

Labcorp Genetics (formerly Invitae), Labcorp
Classification: Likely benign for Neuronal ceroid lipofuscinosis 1. Last evaluated: 2026-01-11. Review status: criteria provided, single submitter. Criteria: Invitae Variant Classification Sherloc (09022015). Collection method: clinical testing. Allele origin: germline.

Blueprint Genetics
Classification: Likely benign. Last evaluated: 2022-10-24. Review status: criteria provided, single submitter. Criteria: ACMG Guidelines, 2015. Collection method: clinical testing. Allele origin: germline.

GeneDx
Classification: Likely benign. Last evaluated: 2018-02-22. Review status: criteria provided, single submitter. Criteria: GeneDx Variant Classification (06012015). Collection method: clinical testing. Allele origin: germline. Affected: yes.
Comment: This variant is considered likely benign or benign based on one or more of the following criteria: it is a conservative change, it occurs at a poorly conserved position in the protein, it is predicted to be benign by multiple in silico algorithms, and/or has population frequency not consistent with disease.